The following is an entry in ClinVar:

ClinVar aggregate classification (germline): Likely benign. Review status: criteria provided, single submitter (1 of 4 stars). 2 submissions from 2 submitters: Likely benign (1). 1 of the submissions does not count toward it. Last evaluated 2025-11-09.

Conditions:
REST-related disorder. Also called: REST-related condition.

Allele frequency attached by ClinVar (database versions not stated): ExAC 0.00004; TOPMed 0.00004; gnomAD 0.00005 and 0.00006; gnomAD exomes 0.00005 and 0.00010; ESP Exome Variant Server 0.00023.
gnomAD v4.1: 152 of 1,614,066 alleles (0.0094%); highest among the groups gnomAD compares: Non-Finnish European, 0.012%; no homozygotes.

Submissions (2):

Labcorp Genetics (formerly Invitae), Labcorp
Classification: Likely benign. Last evaluated: 2025-11-09. Review status: criteria provided, single submitter. Criteria: Invitae Variant Classification Sherloc (09022015). Collection method: clinical testing. Allele origin: germline.

PreventionGenetics, part of Exact Sciences
Classification: Likely benign for REST-related condition. Last evaluated: 2023-11-08. Review status: no assertion criteria provided. Collection method: clinical testing. Allele origin: germline. Not counted in ClinVar's aggregate classification.
Comment: This variant is classified as likely benign based on ACMG/AMP sequence variant interpretation guidelines (Richards et al. 2015 PMID: 25741868, with internal and published modifications).

NM_005612.5(REST):c.324C>T (p.Asn108=)

Gene: REST (RE1 silencing transcription factor; plus strand). Cytogenetic location: 4q12.
Variant type: single nucleotide variant.
Coding change: c.324C>T on transcript NM_005612.5 (MANE Select); coding-DNA position 324, C replaced by T.
Protein change: p.Asn108=; no amino-acid change (asparagine 108 retained).
Molecular consequence: synonymous variant.
Genome position (GRCh38, 1-based): chr4:56,910,962, C>T. VCF-style: chr4-56910962-C-T. GRCh37 (hg19) VCF-style: chr4-57777128-C-T.
Other names: c.324C>T, p.Asn108= (NM_001193508.2, NM_001363453.3).
Identifiers: ClinVar variation 1130157 (VCV001130157.11), dbSNP rs138144208, ClinGen allele CA2932082.